The following is an entry in ClinVar:

NM_001256317.3(TMPRSS3):c.425G>A (p.Cys142Tyr)

Gene: TMPRSS3 (transmembrane serine protease 3; minus strand). Cytogenetic location: 21q22.3.
Variant type: single nucleotide variant.
Coding change: c.425G>A on transcript NM_001256317.3 (MANE Select); coding-DNA position 425, G replaced by A.
Protein change: p.Cys142Tyr; replaces cysteine 142 with tyrosine.
Molecular consequence: missense variant.
Genome position (GRCh38, 1-based): chr21:42,388,424, C>T on the plus strand (G>A on the coding strand, the complement: TMPRSS3 is on the minus strand). VCF-style: chr21-42388424-C-T. GRCh37 (hg19) VCF-style: chr21-43808533-C-T.
Other names: c.425G>A, p.Cys142Tyr (NM_024022.4, NM_032405.2); c.44G>A, p.Cys15Tyr (NM_032404.3); c.425G>A (NM_024022.2); short protein forms C142Y, C15Y.
Identifiers: ClinVar variation 1939154 (VCV001939154.6), dbSNP rs763842122, ClinGen allele CA10042638.

ClinVar aggregate classification (germline): Conflicting classifications of pathogenicity. Review status: criteria provided, conflicting classifications (1 of 4 stars). 2 submissions from 2 submitters: Likely pathogenic (1); Uncertain significance (1). Last evaluated 2026-05-18.

Conditions:
TMPRSS3-related disorder. Also called: TMPRSS3-related condition.

Allele frequency attached by ClinVar (database versions not stated): TOPMed below 0.00001; gnomAD 0.00001; gnomAD exomes 0.00001; ExAC 0.00002.

Submissions (2):

PreventionGenetics, part of Exact Sciences
Classification: Uncertain significance for TMPRSS3-related condition. Last evaluated: 2026-05-18. Review status: criteria provided, single submitter. Criteria: ACMG Guidelines, 2015. Collection method: clinical testing. Allele origin: germline.
Comment: The TMPRSS3 c.425G>A variant is predicted to result in the amino acid substitution p.Cys142Tyr. To our knowledge, this variant has not been reported in the literature. This variant is reported in 0.0026% of alleles in individuals of European (Non-Finnish) descent in gnomAD. At this time, the clinical significance of this variant is uncertain due to the absence of conclusive functional and genetic evidence.

Labcorp Genetics (formerly Invitae), Labcorp
Classification: Likely pathogenic. Last evaluated: 2022-07-07. Review status: criteria provided, single submitter. Criteria: Invitae Variant Classification Sherloc (09022015). Collection method: clinical testing. Allele origin: germline.
Comment: This missense change has been observed in individual(s) with deafness (Invitae). In at least one individual the data is consistent with being in trans (on the opposite chromosome) from a pathogenic variant. This variant is present in population databases (rs763842122, gnomAD 0.003%). This sequence change replaces cysteine, which is neutral and slightly polar, with tyrosine, which is neutral and polar, at codon 142 of the TMPRSS3 protein (p.Cys142Tyr). Advanced modeling of protein sequence and biophysical properties (such as structural, functional, and spatial information, amino acid conservation, physicochemical variation, residue mobility, and thermodynamic stability) performed at Invitae indicates that this missense variant is expected to disrupt TMPRSS3 protein function. In summary, the currently available evidence indicates that the variant is pathogenic, but additional data are needed to prove that conclusively. Therefore, this variant has been classified as Likely Pathogenic.